The following is an entry in ClinVar:

NM_033118.4(MYLK2):c.102A>G (p.Lys34=)

Gene: MYLK2 (myosin light chain kinase 2; plus strand). Cytogenetic location: 20q11.21.
Variant type: single nucleotide variant.
Coding change: c.102A>G on transcript NM_033118.4 (MANE Select); coding-DNA position 102, A replaced by G.
Protein change: p.Lys34=; no amino-acid change (lysine 34 retained).
Molecular consequence: synonymous variant.
Genome position (GRCh38, 1-based): chr20:31,820,175, A>G. VCF-style: chr20-31820175-A-G. GRCh37 (hg19) VCF-style: chr20-30407978-A-G.
Identifiers: ClinVar variation 46516 (VCV000046516.47), dbSNP rs28763880, ClinGen allele CA138504.
Genomic context (GRCh38, chr20:31,820,175, plus strand): 5'-CTCCTCTGCAGACAAGGCACCTAAAGGTCCCACAGGTGAAAGACCCCTGGCTGCAGGGAA[A>G]GACCCTGGCCCCCCAGACCCAAAGAAAGCTCCGGATCCACCCACCCTGAAGAAAGATGCC-3'
Protein context (NP_149109.1, residues 24-44): PTGERPLAAG[Lys34=]DPGPPDPKKA

ClinVar aggregate classification (germline): Benign/Likely benign. Review status: criteria provided, multiple submitters, no conflicts (2 of 4 stars). 8 submissions from 8 submitters: Benign (4); Likely benign (4). Last evaluated 2026-01-25.

Conditions:
Cardiomyopathy (CMYO). Also called: Cardiomyopathies. Identifiers: Orphanet 167848, MedGen C0878544, MONDO:0004994, HP:0001638. Inheritance: Various modes of inheritance.
Hypertrophic cardiomyopathy 1 (CMH1). Also called: Familial hypertrophic cardiomyopathy 1; MYH7-Related Familial Hypertrophic Cardiomyopathy. Identifiers: MedGen C3495498, MONDO:0008647, OMIM 192600.

Allele frequency attached by ClinVar (database versions not stated): 1000 Genomes Project 30x 0.00078; ExAC 0.00086; 1000 Genomes Project 0.00100; gnomAD 0.00101 and 0.00106; gnomAD exomes 0.00102 and 0.00168; TOPMed 0.00104; ESP Exome Variant Server 0.00123.
gnomAD v4.1: 2,677 of 1,614,032 alleles (0.17%); highest among the groups gnomAD compares: South Asian, 0.25%; 13 homozygotes.

Submissions (8):

Labcorp Genetics (formerly Invitae), Labcorp
Classification: Benign for Hypertrophic cardiomyopathy 1. Last evaluated: 2026-01-25. Review status: criteria provided, single submitter. Criteria: Invitae Variant Classification Sherloc (09022015). Collection method: clinical testing. Allele origin: germline.

CeGaT Center for Human Genetics Tuebingen
Classification: Likely benign. Last evaluated: 2023-04-01. Review status: criteria provided, single submitter. Criteria: CeGaT Center For Human Genetics Tuebingen Variant Classification Criteria Version 2. Collection method: clinical testing. Allele origin: germline. Affected: yes. Observed: 2 variant alleles.
Comment: MYLK2: BP4, BP7, BS2

Ambry Genetics
Classification: Likely benign. Last evaluated: 2022-05-30. Review status: criteria provided, single submitter. Criteria: Ambry Variant Classification Scheme 2023. Collection method: clinical testing. Allele origin: germline.

Women's Health and Genetics/Laboratory Corporation of America, LabCorp
Classification: Benign. Last evaluated: 2021-01-28. Review status: criteria provided, single submitter. Criteria: LabCorp Variant Classification Summary - May 2015. Collection method: clinical testing. Allele origin: germline.

CHEO Genetics Diagnostic Laboratory, Children's Hospital of Eastern Ontario
Classification: Benign for Cardiomyopathy. Last evaluated: 2018-01-11. Review status: criteria provided, single submitter. Criteria: ACMG Guidelines, 2015. Collection method: clinical testing. Allele origin: germline.

Laboratory for Molecular Medicine, Mass General Brigham Personalized Medicine
Classification: Likely benign. Last evaluated: 2016-01-07. Review status: criteria provided, single submitter. Criteria: LMM Criteria. Collection method: clinical testing. Allele origin: germline. Observed: 9 variant alleles.
Comment: p.Lys34Lys in exon 3 of MYLK2: This variant is not expected to have clinical sig nificance because it does not alter an amino acid residue and is not located wit hin the splice consensus sequence. It has been identified in 0.2% (36/16510) of South Asian chromosomes including 2 homozygous individuals by the Exome Aggregat ion Consortium (ExAC; dbSNP rs28763880).

GeneDx
Classification: Benign. Last evaluated: 2015-03-03. Review status: criteria provided, single submitter. Criteria: GeneDx Variant Classification Process June 2021. Collection method: clinical testing. Allele origin: germline. Affected: yes.

Breakthrough Genomics
Classification: Likely benign. Review status: criteria provided, single submitter. Criteria: ACMG Guidelines, 2015. Collection method: not provided. Allele origin: germline. Inheritance: Autosomal dominant inheritance. Affected: yes.